The following is an entry in ClinVar:

ClinVar aggregate classification (germline): Uncertain significance (1 of 4 stars; one submission).

Submission:

GeneDx
Classification: Uncertain significance. Last evaluated: 2022-10-12. Review status: criteria provided, single submitter. Criteria: GeneDx Variant Classification Process June 2021. Collection method: clinical testing. Allele origin: germline. Affected: yes.
Comment: In silico analysis supports that this missense variant has a deleterious effect on protein structure/function; Has not been previously published as pathogenic or benign to our knowledge

NM_002161.6(IARS1):c.2423G>T (p.Arg808Leu)

Gene: IARS1 (isoleucyl-tRNA synthetase 1; minus strand). Cytogenetic location: 9q22.31.
Variant type: single nucleotide variant.
Coding change: c.2423G>T on transcript NM_002161.6 (MANE Select); coding-DNA position 2423, G replaced by T.
Protein change: p.Arg808Leu; replaces arginine 808 with leucine.
Molecular consequence: missense variant. On other transcripts: non-coding transcript variant (1).
Genome position (GRCh38, 1-based): chr9:92,250,719, C>A on the plus strand (G>T on the coding strand, the complement: IARS1 is on the minus strand). VCF-style: chr9-92250719-C-A. GRCh37 (hg19) VCF-style: chr9-95013001-C-A.
Other names: c.2348G>T, p.Arg783Leu (NM_001374299.1, NM_001374300.1, NM_001378584.1); c.2339G>T, p.Arg780Leu (NM_001374301.1); c.2486G>T, p.Arg829Leu (NM_001378569.1); c.2444G>T, p.Arg815Leu (NM_001378571.1); c.2423G>T, p.Arg808Leu (NM_001378572.1, NM_001378573.1, NM_001378574.1 and 9 more transcripts); c.2327G>T, p.Arg776Leu (NM_001378582.1); c.2300G>T, p.Arg767Leu (NM_001378583.1); short protein forms R767L, R776L, R780L, R783L, R808L, R815L, R829L.
Identifiers: ClinVar variation 2499274 (VCV002499274.1), dbSNP rs367830465, ClinGen allele CA373814078.
Genomic context (GRCh38, chr9:92,250,719, plus strand): 5'-GAGCAACTCTCCCCTCCTTGGCACAGGTGAGGCTTATTTCTATTTGAGTCCTACCGAACA[C>A]GGGGCAGCATGAGGTAGTGAATGCTGAGTGTGTCCTTGTCCTGAACAGAAACAGGGTCAA-3'
Protein context (NP_002152.2, residues 798-818): TLSIHYLMLP[Arg808Leu]VREELIDKKT